The following is an entry in ClinVar:

NM_005045.4(RELN):c.8684G>A (p.Arg2895His)

Genes: RELN (reelin; minus strand), SLC26A5-AS1 (SLC26A5 antisense RNA 1; plus strand). Cytogenetic location: 7q22.1.
Variant type: single nucleotide variant.
Coding change: c.8684G>A on transcript NM_005045.4 (MANE Select); coding-DNA position 8684, G replaced by A.
Protein change: p.Arg2895His; replaces arginine 2895 with histidine.
Molecular consequence: missense variant.
Genome position (GRCh38, 1-based): chr7:103,498,236, C>T on the plus strand (G>A on the coding strand, the complement: RELN is on the minus strand). VCF-style: chr7-103498236-C-T. GRCh37 (hg19) VCF-style: chr7-103138683-C-T.
Other names: c.8684G>A, p.Arg2895His (NM_173054.3); short protein forms R2895H.
Identifiers: ClinVar variation 2058672 (VCV002058672.6), dbSNP rs1399157725, ClinGen allele CA368753787.
Genomic context (GRCh38, chr7:103,498,236, plus strand): 5'-CAAGTACTTCCACCTTCTAAGGACATCCATAAGTCAGGTTTGATTTCTTCACTGTCAAAG[C>T]GTTCCTTCAGGAAAGTCTGGAAATAAAATAAGCCAGATGTGGTTAAAAAAACAATTTCAG-3'
Protein context (NP_005036.2, residues 2885-2905): THTLKTFLKE[Arg2895His]FDSEEIKPDL

ClinVar aggregate classification (germline): Uncertain significance. Review status: criteria provided, multiple submitters, no conflicts (2 of 4 stars). 2 submissions from 2 submitters: Uncertain significance (2). Last evaluated 2023-10-11.

Conditions:
Familial temporal lobe epilepsy 7. Identifiers: Orphanet 101046, MedGen C4225327, MONDO:0014639, OMIM 616436.
Norman-Roberts syndrome (LIS2). Also called: Lissencephaly 2 (Norman-Roberts type). Identifiers: Orphanet 89844, MedGen C0796089, MONDO:0009760, OMIM 257320.
Generalized epilepsy with febrile seizures plus, type 2 (GEFSP2). Also called: GEFS+, TYPE 2. Identifiers: Orphanet 36387, MedGen C1858673, MONDO:0011461, OMIM 604403.

Allele frequency attached by ClinVar (database versions not stated): gnomAD 0.00001; gnomAD exomes 0.00001; TOPMed 0.00002.
gnomAD v4.1: 13 of 1,613,680 alleles (0.00081%); highest among the groups gnomAD compares: Admixed American, 0.0017%; no homozygotes.

Submissions (2):

Labcorp Genetics (formerly Invitae), Labcorp
Classification: Uncertain significance for Familial temporal lobe epilepsy 7; Norman-Roberts syndrome. Last evaluated: 2023-10-11. Review status: criteria provided, single submitter. Criteria: Invitae Variant Classification Sherloc (09022015). Collection method: clinical testing. Allele origin: germline.
Comment: This sequence change replaces arginine, which is basic and polar, with histidine, which is basic and polar, at codon 2895 of the RELN protein (p.Arg2895His). This variant is present in population databases (no rsID available, gnomAD 0.003%). This variant has not been reported in the literature in individuals affected with RELN-related conditions. ClinVar contains an entry for this variant (Variation ID: 2058672). Advanced modeling of protein sequence and biophysical properties (such as structural, functional, and spatial information, amino acid conservation, physicochemical variation, residue mobility, and thermodynamic stability) performed at Invitae indicates that this missense variant is not expected to disrupt RELN protein function. In summary, the available evidence is currently insufficient to determine the role of this variant in disease. Therefore, it has been classified as a Variant of Uncertain Significance.

Neuberg Centre For Genomic Medicine, NCGM
Classification: Uncertain significance for Generalized epilepsy with febrile seizures plus, type 2. Review status: criteria provided, single submitter. Criteria: ACMG Guidelines, 2015. Collection method: clinical testing. Allele origin: germline. Inheritance: Autosomal dominant inheritance. Affected: yes.